The following is an entry in ClinVar:

ClinVar aggregate classification (germline): Uncertain significance. Review status: criteria provided, multiple submitters, no conflicts (2 of 4 stars). 5 submissions from 5 submitters: Uncertain significance (5). Last evaluated 2026-03-25.

Conditions:
PKD2-related disorder. Also called: PKD2-related condition.
Polycystic kidney disease 2 (PKD2). Also called: POLYCYSTIC KIDNEY DISEASE, ADULT, TYPE II; Polycystic Kidney Disease 2, Autosomal Dominant; POLYCYSTIC KIDNEY DISEASE 2 WITH OR WITHOUT POLYCYSTIC LIVER DISEASE. Identifiers: MedGen C2751306, MONDO:0013131, OMIM 613095.
Autosomal dominant polycystic kidney disease. Identifiers: Orphanet 730, MedGen C0085413, MONDO:0004691.

Allele frequency attached by ClinVar (database versions not stated): ExAC 0.00001; gnomAD 0.00003; TOPMed 0.00003; ESP Exome Variant Server 0.00008.
gnomAD v4.1: 7 of 1,585,292 alleles (0.00044%); highest among the groups gnomAD compares: African/African-American, 0.0067%; no homozygotes.

Submissions (5):

PreventionGenetics, part of Exact Sciences
Classification: Uncertain significance for PKD2-related condition. Last evaluated: 2026-03-25. Review status: criteria provided, single submitter. Criteria: ACMG Guidelines, 2015. Collection method: clinical testing. Allele origin: germline.
Comment: The PKD2 c.1326G>T variant is predicted to result in the amino acid substitution p.Leu442Phe. To our knowledge, this variant has not been reported in the literature. This variant is reported in 0.012% of alleles in individuals of African descent in gnomAD, which may be too common to be a primary cause of disease. Although we suspect that this variant may be benign, at this time, the clinical significance of this variant is uncertain due to the absence of conclusive functional and genetic evidence.

Fulgent Genetics
Classification: Uncertain significance for Polycystic kidney disease 2. Last evaluated: 2024-06-06. Review status: criteria provided, single submitter. Criteria: ACMG Guidelines, 2015. Collection method: clinical testing. Allele origin: germline.

GeneDx
Classification: Uncertain significance. Last evaluated: 2023-06-21. Review status: criteria provided, single submitter. Criteria: GeneDx Variant Classification Process June 2021. Collection method: clinical testing. Allele origin: germline. Affected: yes.
Comment: In silico analysis supports that this missense variant has a deleterious effect on protein structure/function; Has not been previously published as pathogenic or benign to our knowledge

Labcorp Genetics (formerly Invitae), Labcorp
Classification: Uncertain significance for Autosomal dominant polycystic kidney disease. Last evaluated: 2022-07-14. Review status: criteria provided, single submitter. Criteria: Invitae Variant Classification Sherloc (09022015). Collection method: clinical testing. Allele origin: germline.
Comment: In summary, the available evidence is currently insufficient to determine the role of this variant in disease. Therefore, it has been classified as a Variant of Uncertain Significance. Algorithms developed to predict the effect of missense changes on protein structure and function are either unavailable or do not agree on the potential impact of this missense change (SIFT: "Deleterious"; PolyPhen-2: "Probably Damaging"; Align-GVGD: "Class C0"). This variant has not been reported in the literature in individuals affected with PKD2-related conditions. This variant is present in population databases (rs367862195, gnomAD 0.01%). This sequence change replaces leucine, which is neutral and non-polar, with phenylalanine, which is neutral and non-polar, at codon 442 of the PKD2 protein (p.Leu442Phe).

Athena Diagnostics
Classification: Uncertain significance. Last evaluated: 2022-06-27. Review status: criteria provided, single submitter. Criteria: Athena Diagnostics Criteria. Collection method: clinical testing. Allele origin: unknown.

NM_000297.4(PKD2):c.1326G>T (p.Leu442Phe)

Gene: PKD2 (polycystin 2, transient receptor potential cation channel; plus strand). Cytogenetic location: 4q22.1.
Variant type: single nucleotide variant.
Coding change: c.1326G>T on transcript NM_000297.4 (MANE Select); coding-DNA position 1326, G replaced by T.
Protein change: p.Leu442Phe; replaces leucine 442 with phenylalanine.
Molecular consequence: missense variant. On other transcripts: non-coding transcript variant (1).
Genome position (GRCh38, 1-based): chr4:88,046,648, G>T. VCF-style: chr4-88046648-G-T. GRCh37 (hg19) VCF-style: chr4-88967800-G-T.
Other names: short protein forms L442F.
Identifiers: ClinVar variation 1807328 (VCV001807328.9), dbSNP rs367862195, ClinGen allele CA3003934.